The following is an entry in ClinVar:

ClinVar aggregate classification (germline): Pathogenic (1 of 4 stars; one submission).

Conditions:
Marfan syndrome (MFS). Also called: MARFAN SYNDROME, TYPE I; FBN1-Related Marfan Syndrome; Marfan syndrome type 1; Marfan's syndrome; Marfan syndrome, classic. Identifiers: Orphanet 284963, Orphanet 558, MedGen C0024796, MONDO:0007947, OMIM 154700.
Familial thoracic aortic aneurysm and aortic dissection (TAAD). Also called: Thoracic aortic aneurysms and dissections. Identifiers: Orphanet 91387, MedGen C4707243, MONDO:0019625.

Submission:

Labcorp Genetics (formerly Invitae), Labcorp
Classification: Pathogenic for Marfan syndrome; Familial thoracic aortic aneurysm and aortic dissection. Last evaluated: 2017-07-13. Review status: criteria provided, single submitter. Criteria: Invitae Variant Classification Sherloc (09022015). Collection method: clinical testing. Allele origin: germline.
Comment: This sequence change affects a donor splice site in intron 37 of the FBN1 gene. It is expected to disrupt RNA splicing and likely results in an absent or disrupted protein product. This variant is not present in population databases (ExAC no frequency). This variant has been reported in an individual with Marfan syndrome (PMID: RQ173063). Algorithms developed to predict the effect of sequence changes on RNA splicing suggest that this variant may disrupt the consensus splice site, but this prediction has not been confirmed by published transcriptional studies. Donor and acceptor splice site variants typically lead to a loss of protein function (PMID: 16199547), and loss-of-function variants in FBN1 are known to be pathogenic (PMID: 17657824, 19293843). For these reasons, this variant has been classified as Pathogenic.

NM_000138.5(FBN1):c.4582+1G>T

Gene: FBN1 (fibrillin 1; minus strand). Cytogenetic location: 15q21.1.
Variant type: single nucleotide variant.
Coding change: c.4582+1G>T on transcript NM_000138.5 (MANE Select); the canonical splice donor site of the intron after coding-DNA position 4582, G replaced by T.
Molecular consequence: splice donor variant.
Genome position (GRCh38, 1-based): chr15:48,468,411, C>A on the plus strand (G>T on the coding strand, the complement: FBN1 is on the minus strand). VCF-style: chr15-48468411-C-A. GRCh37 (hg19) VCF-style: chr15-48760608-C-A.
Other names: c.4582+1G>T (NM_001406716.1).
Identifiers: ClinVar variation 457217 (VCV000457217.1), dbSNP rs1555397195, ClinGen allele CA392353266.